The following is an entry in ClinVar:

NM_020987.5(ANK3):c.11455G>C (p.Glu3819Gln)

Gene: ANK3 (ankyrin 3; minus strand). Cytogenetic location: 10q21.2.
Variant type: single nucleotide variant.
Coding change: c.11455G>C on transcript NM_020987.5 (MANE Select); coding-DNA position 11455, G replaced by C.
Protein change: p.Glu3819Gln; replaces glutamic acid 3819 with glutamine.
Molecular consequence: missense variant. On other transcripts: intron variant (4).
Genome position (GRCh38, 1-based): chr10:60,069,426, C>G on the plus strand (G>C on the coding strand, the complement: ANK3 is on the minus strand). VCF-style: chr10-60069426-C-G. GRCh37 (hg19) VCF-style: chr10-61829184-C-G.
Other names: c.11455G>C (NM_020987.3); c.4388-1417G>C (NM_001204403.2); c.4409-1417G>C (NM_001204404.2); c.4406-1417G>C (NM_001320874.2); c.1808-1417G>C (NM_001149.4); short protein forms E3819Q.
Identifiers: ClinVar variation 2909247 (VCV002909247.4), dbSNP rs776098021, ClinGen allele CA5511093.

ClinVar aggregate classification (germline): Uncertain significance. Review status: criteria provided, multiple submitters, no conflicts (2 of 4 stars). 2 submissions from 2 submitters: Uncertain significance (2). Last evaluated 2024-01-04.

Conditions:
Inborn genetic diseases. Identifiers: MedGen C0950123, MeSH D030342.

Allele frequency attached by ClinVar (database versions not stated): gnomAD exomes 0.00001; ExAC 0.00003.
gnomAD v4.1: 13 of 1,614,020 alleles (0.00081%); highest among the groups gnomAD compares: South Asian, 0.0022%; no homozygotes.

Submissions (2):

Ambry Genetics
Classification: Uncertain significance for Inborn genetic diseases. Last evaluated: 2024-01-04. Review status: criteria provided, single submitter. Criteria: Ambry Variant Classification Scheme 2023. Collection method: clinical testing. Allele origin: germline.

Labcorp Genetics (formerly Invitae), Labcorp
Classification: Uncertain significance. Last evaluated: 2023-09-27. Review status: criteria provided, single submitter. Criteria: Invitae Variant Classification Sherloc (09022015). Collection method: clinical testing. Allele origin: germline.
Comment: In summary, the available evidence is currently insufficient to determine the role of this variant in disease. Therefore, it has been classified as a Variant of Uncertain Significance. An algorithm developed to predict the effect of missense changes on protein structure and function (PolyPhen-2) suggests that this variant is likely to be tolerated. This variant has not been reported in the literature in individuals affected with ANK3-related conditions. This variant is present in population databases (rs776098021, gnomAD 0.003%). This sequence change replaces glutamic acid, which is acidic and polar, with glutamine, which is neutral and polar, at codon 3819 of the ANK3 protein (p.Glu3819Gln).